The following is an entry in ClinVar:

NM_001384732.1(CPLANE1):c.518C>G (p.Pro173Arg)

Gene: CPLANE1 (ciliogenesis and planar polarity effector complex subunit 1; minus strand). Cytogenetic location: 5p13.2.
Variant type: single nucleotide variant.
Coding change: c.518C>G on transcript NM_001384732.1 (MANE Select); coding-DNA position 518, C replaced by G.
Protein change: p.Pro173Arg; replaces proline 173 with arginine.
Molecular consequence: missense variant.
Genome position (GRCh38, 1-based): chr5:37,244,427, G>C on the plus strand (C>G on the coding strand, the complement: CPLANE1 is on the minus strand). VCF-style: chr5-37244427-G-C. GRCh37 (hg19) VCF-style: chr5-37244529-G-C.
Other names: c.518C>G, p.Pro173Arg (NM_023073.4); short protein forms P173R.
Identifiers: ClinVar variation 4856358 (VCV004856358.1).

ClinVar aggregate classification (germline): Uncertain significance (1 of 4 stars; one submission).

Conditions:
Orofaciodigital syndrome type 6 (OFD6). Also called: OROFACIODIGITAL SYNDROME VI; OFDS VI; POLYDACTYLY, CLEFT LIP/PALATE OR LINGUAL LUMP, AND PSYCHOMOTOR RETARDATION; VARADI SYNDROME; VARADI-PAPP SYNDROME; Oral-facial-digital syndrome type 6. Identifiers: Orphanet 2754, MedGen C2745997, MONDO:0010176, OMIM 277170.

Submission:

3billion
Classification: Uncertain significance for Orofaciodigital syndrome type 6. Last evaluated: 2025-10-06. Review status: criteria provided, single submitter. Criteria: ACMG Guidelines, 2015. Collection method: clinical testing. Allele origin: germline. Affected: yes.
Comment: The variant is observed at an extremely low frequency in the gnomAD v4.1.0 dataset (total allele frequency: <0.001%). Predicted Consequence/Location: Missense variant. The majority of the known disease-causing variants of this gene are variants expected to result in premature termination of the protein. Damaging effect on gene or gene product predicted by in silico programs is uncertain [REVEL: 0.57 (damaging >=0.6, benign <0.4), 3Cnet: 0.04 (damaging >0.75, benign <0.1)]. Therefore, this variant is classified as VUS according to the recommendation of ACMG/AMP guideline.